The following is an entry in ClinVar:

ClinVar aggregate classification (germline): Uncertain significance (1 of 4 stars; one submission).

gnomAD v4.1: 1 of 1,613,956 alleles (0.000062%); highest among the groups gnomAD compares: African/African-American, 0.0013%; no homozygotes.

Submission:

GeneDx
Classification: Uncertain significance. Last evaluated: 2019-04-25. Review status: criteria provided, single submitter. Criteria: GeneDx Variant Classification Process June 2021. Collection method: clinical testing. Allele origin: germline. Affected: yes.
Comment: Not observed in large population cohorts (Lek et al., 2016); In silico analysis, which includes protein predictors and evolutionary conservation, supports a deleterious effect; Has not been previously published as pathogenic or benign to our knowledge

NM_001080.3(ALDH5A1):c.514C>G (p.Arg172Gly)

Gene: ALDH5A1 (aldehyde dehydrogenase 5 family member A1; plus strand). Cytogenetic location: 6p22.3.
Variant type: single nucleotide variant.
Coding change: c.514C>G on transcript NM_001080.3 (MANE Select); coding-DNA position 514, C replaced by G.
Protein change: p.Arg172Gly; replaces arginine 172 with glycine.
Molecular consequence: missense variant.
Genome position (GRCh38, 1-based): chr6:24,503,338, C>G. VCF-style: chr6-24503338-C-G. GRCh37 (hg19) VCF-style: chr6-24503566-C-G.
Other names: c.514C>G, p.Arg172Gly (NM_001368954.1, NM_170740.1); short protein forms R172G.
Identifiers: ClinVar variation 1302496 (VCV001302496.2), dbSNP rs551902853, ClinGen allele CA362969553.